The following is an entry in ClinVar:

ClinVar aggregate classification (germline): Benign (1 of 4 stars; one submission).

Conditions:
Juvenile polyposis syndrome (JPS). Identifiers: Orphanet 2929, MedGen C0345893, MONDO:0017380, OMIM 174900.

Submission:

Myriad Genetics, Inc.
Classification: Benign for Juvenile polyposis syndrome. Last evaluated: 2024-09-25. Review status: criteria provided, single submitter. Criteria: Myriad Autosomal Dominant, Autosomal Recessive and X-Linked Classification Criteria (2023). Collection method: clinical testing. Allele origin: unknown.
Comment: This variant is considered benign. This variant occurs in the non-coding 3' untranslated region of the gene, and is not expected to impact protein function.

NM_004329.3(BMPR1A):c.*8A>C

Gene: BMPR1A (bone morphogenetic protein receptor type 1A; plus strand). Cytogenetic location: 10q23.2.
Variant type: single nucleotide variant.
Coding change: c.*8A>C on transcript NM_004329.3 (MANE Select); 8 bases downstream of the stop codon, A replaced by C.
Molecular consequence: 3 prime UTR variant. On other transcripts: non-coding transcript variant (3).
Genome position (GRCh38, 1-based): chr10:86,923,727, A>C. VCF-style: chr10-86923727-A-C. GRCh37 (hg19) VCF-style: chr10-88683484-A-C.
Other names: c.*8A>C (NM_001406559.1, NM_001406560.1, NM_001406561.1 and 28 more transcripts).
Identifiers: ClinVar variation 3378539 (VCV003378539.1).